The following is an entry in ClinVar:

NM_001128228.3(TPRN):c.1964dup (p.Gly656fs)

Gene: TPRN (taperin; minus strand). Cytogenetic location: 9q34.3.
Variant type: Duplication.
Coding change: c.1964dup on transcript NM_001128228.3 (MANE Select); coding-DNA position 1964, one base duplicated (C; older notation c.1964dupC).
Protein change: p.Gly656fs; shifts the reading frame from glycine 656.
Molecular consequence: frameshift variant.
Genome position (GRCh38, 1-based): chr9:137,192,453, G duplicated on the plus strand (C on the coding strand, the reverse complement: TPRN is on the minus strand). VCF-style (leftmost placement, unchanged base first): chr9-137192452-T-TG. GRCh37 (hg19) VCF-style: chr9-140086904-T-TG.
Other names: c.1964dupC (NM_001128228.2); short protein forms G656fs.
Identifiers: ClinVar variation 545899 (VCV000545899.2), dbSNP rs1341134360, ClinGen allele CA591373048.
Genomic context (GRCh38, chr9:137,192,452, plus strand): 5'-GTGGACACAGACCAGGCTCCACCCCTCCCAGGCTGCCTGTCCCCCAGGTGGGCACTCACC[T>TG]GAGCTACCCTCTGGCAGCCGAGAGCTCTCGGGTCTCACGCTGCTCACAAACGTGGCCCGG-3'

ClinVar aggregate classification (germline): Likely pathogenic (1 of 4 stars; one submission).

Allele frequency attached by ClinVar (database versions not stated): gnomAD exomes below 0.00001.

Submission:

GeneDx
Classification: Likely pathogenic. Last evaluated: 2018-05-14. Review status: criteria provided, single submitter. Criteria: GeneDx Variant Classification (06012015). Collection method: clinical testing. Allele origin: germline. Affected: yes.
Comment: The c.1964dupC variant has not been published as a pathogenic variant, nor has it been reported as a benign variant to our knowledge. The variant is not observed at a significant frequency in large population cohorts (Lek et al., 2016). The c.1964dupC variant in the TPRN gene causes a frameshift starting with Glycine 656, changes this amino acid to an Arginine residue and creates a premature Stop codon at position 44 of the new reading frame, denoted p.Gly656ArgfsX44. This variant is predicted to cause loss of normal protein function through the replacement of 56 residues with 43 incorrect residues. In summary, this variant is likely pathogenic; however, the possibility that it is benign cannot be excluded.